The following is an entry in ClinVar:

ClinVar aggregate classification (germline): Pathogenic. Review status: reviewed by expert panel (3 of 4 stars). 16 submissions from 15 submitters: Pathogenic (1). 15 of the submissions do not count toward it. Last evaluated 2017-03-17.

Conditions:
CFTR-related disorder (CFTR-RD). Also called: CFTR-related disorders; CFTR-related condition. Identifiers: MedGen C5924204, MONDO:7770004.
Congenital bilateral aplasia of vas deferens from CFTR mutation (CBAVD). Identifiers: Orphanet 48, MedGen C0403814, MONDO:0010178, OMIM 277180. Disease mechanism: loss of function.
Cystic fibrosis (CF). Also called: MUCOVISCIDOSIS. Identifiers: Orphanet 586, MedGen C0010674, MONDO:0009061, OMIM 219700. Disease mechanism: loss of function.
Bronchiectasis with or without elevated sweat chloride 1 (BESC1). Also called: Cystic Fibrosis-Like Syndrome. Identifiers: Orphanet 60033, MedGen C2749757, MONDO:0008887, OMIM 211400.

Allele frequency attached by ClinVar (database versions not stated): gnomAD exomes below 0.00001.
gnomAD v4.1: 6 of 1,614,108 alleles (0.00037%); highest among the groups gnomAD compares: Non-Finnish European, 0.00051%; no homozygotes.

Submissions (16):

CFTR2
Classification: Pathogenic for Cystic fibrosis. Last evaluated: 2017-03-17. Review status: reviewed by expert panel. Criteria: Sosnay PR et al. (Nat Genet 2013). Collection method: research. Allele origin: germline. Affected: yes. Study: CFTR2.

PreventionGenetics, part of Exact Sciences
Classification: Pathogenic for CFTR-related condition. Last evaluated: 2026-04-28. Review status: criteria provided, single submitter. Criteria: ACMG Guidelines, 2015. Collection method: clinical testing. Allele origin: germline. Not counted in ClinVar's aggregate classification.
Comment: The CFTR c.1007T>A variant is predicted to result in the amino acid substitution p.Ile336Lys. This variant has been reported in the compound heterozygous state or along with a second pathogenic CFTR variant (phase unknown) in multiple individuals with cystic fibrosis (Goubau et al. 2009. PubMed ID: 19318346; Ziętkiewicz et al. 2014. PubMed ID: 24586523; CFTR2 database). This variant has also been reported in the compound heterozygous state in an individual with congenital bilateral absence of vas deferens, recurrent infections, nasal polyposis, maldigestion, and salt depletion episodes (Dörk et al. 1997. PubMed ID: 9272157). In vitro experimental studies using CFBE and FRT cells suggest this variant decreases CFTR protein chloride transport activity to <5% of control (Van Goor et al. 2013. PubMed ID: 23891399; Table S2, Sosnay et al. 2013. PubMed ID: 23974870; Raraigh et al. 2018. PubMed ID: 29805046; Han et al. 2018. PubMed ID: 30046002). This variant is reported in 0.00088% of alleles in individuals of European (non-Finnish) descent in gnomAD. This variant is interpreted as pathogenic.

Natera, Inc.
Classification: Pathogenic for CFTR-related disorders. Last evaluated: 2025-11-17. Review status: criteria provided, single submitter. Criteria: Natera Variant Classification Schema (03/2026). Collection method: clinical testing. Allele origin: germline. Not counted in ClinVar's aggregate classification.
Comment: The c.1007T>A variant in CFTR is a missense variant predicted to cause substitution of isoleucine to lysine at amino acid 336. This variant is rare in the general population with a frequency below the threshold expected for the associated phenotype(s). This variant has been observed in one or more individuals affected with the associated recessive disease, as either homozygous or compound heterozygous with a second variant (PMID: 33431308, 30888834, 32084388, 18227622). Computational prediction algorithms indicate this variant is likely to affect gene or protein function. Given the available evidence, this variant is classified as Pathogenic.

Labcorp Genetics (formerly Invitae), Labcorp
Classification: Pathogenic for Cystic fibrosis. Last evaluated: 2023-11-25. Review status: criteria provided, single submitter. Criteria: Invitae Variant Classification Sherloc (09022015). Collection method: clinical testing. Allele origin: germline. Not counted in ClinVar's aggregate classification.
Comment: This sequence change replaces isoleucine, which is neutral and non-polar, with lysine, which is basic and polar, at codon 336 of the CFTR protein (p.Ile336Lys). This variant is present in population databases (rs397508139, gnomAD 0.0009%). This missense change has been observed in individual(s) with cystic fibrosis (PMID: 7508414, 9272157, 19318346, 24586523). In at least one individual the data is consistent with being in trans (on the opposite chromosome) from a pathogenic variant. ClinVar contains an entry for this variant (Variation ID: 53162). Advanced modeling of protein sequence and biophysical properties (such as structural, functional, and spatial information, amino acid conservation, physicochemical variation, residue mobility, and thermodynamic stability) performed at Invitae indicates that this missense variant is expected to disrupt CFTR protein function with a positive predictive value of 80%. Experimental studies have shown that this missense change affects CFTR function (PMID: 23891399, 29805046, 30046002). For these reasons, this variant has been classified as Pathogenic.

Quest Diagnostics Nichols Institute San Juan Capistrano
Classification: Pathogenic. Last evaluated: 2023-08-15. Review status: criteria provided, single submitter. Criteria: Quest Diagnostics criteria. Collection method: clinical testing. Allele origin: unknown. Not counted in ClinVar's aggregate classification.
Comment: The CFTR c.1007T>A (p.Ile336Lys) variant has been reported in the published literature in individuals with cystic fibrosis (PMID: 7508414 (1993), 7505690 (1993), 19318346 (2009), 24586523 (2014)). This variant has also been reported in cystic fibrosis related disorders including congenital bilateral absence of the vas deferens (CBAVD) (PMID: 9272157 (1997)) and pancreatitis (PMID: 10950058 (2000)). Published functional studies showed that this variant affects CFTR protein function (PMID: 23974870 (2013), 23891399 (2014), 29805046 (2018), 30046002 (2018)). The frequency of this variant in the general population, 0.000004 (1/251238 chromosomes (Genome Aggregation Database)), is uninformative in the assessment of its pathogenicity. Based on the available information, this variant is classified as pathogenic.

Baylor Genetics
Classification: Pathogenic for Bronchiectasis with or without elevated sweat chloride 1. Last evaluated: 2023-06-18. Review status: criteria provided, single submitter. Criteria: ACMG Guidelines, 2015. Collection method: clinical testing. Allele origin: unknown. Not counted in ClinVar's aggregate classification.

Johns Hopkins Genomics, Johns Hopkins University
Classification: Pathogenic for Cystic fibrosis. Last evaluated: 2023-02-13. Review status: criteria provided, single submitter. Criteria: ACMG Guidelines, 2015. Collection method: clinical testing. Allele origin: germline. Not counted in ClinVar's aggregate classification.
Comment: Disease-causing CFTR variant. See CFTR2 for phenotype information.

Institute of Human Genetics, University of Leipzig Medical Center
Classification: Likely pathogenic for Cystic fibrosis. Last evaluated: 2022-09-05. Review status: criteria provided, single submitter. Criteria: ACMG Guidelines, 2015. Collection method: curation. Allele origin: unknown. Affected: yes. Observed: 1 variant allele. Not counted in ClinVar's aggregate classification.
Comment: The variant was classified in the context of a project re-classifying variants in the German Cystic Fibrosis Registry (Muko.e.V.). Criteria applied: PS3_MOD, PM2_SUP, PM3_STR, PP3, PP4

Ambry Genetics
Classification: Pathogenic for Cystic fibrosis. Last evaluated: 2022-02-07. Review status: criteria provided, single submitter. Criteria: Ambry Variant Classification Scheme 2023. Collection method: clinical testing. Allele origin: germline. Not counted in ClinVar's aggregate classification.
Comment: The p.I336K pathogenic mutation (also known as c.1007T>A), located in coding exon 8 of the CFTR gene, results from a T to A substitution at nucleotide position 1007. The isoleucine at codon 336 is replaced by lysine, an amino acid with dissimilar properties. This pathogenic mutation has been reported in multiple cystic fibrosis (CF) patients who have a second pathogenic mutation in trans. This mutation is associated with elevated sweat chloride levels, decreased lung function, and Pseudomonas infection; CF patients with this mutation are more likely to be pancreatic sufficient (Sosnay PR, Nat. Genet. 2013 Oct; 45(10):1160-7, Supplementary Table). In addition, a functional study of this mutation demonstrated that this alteration significantly decreases the amount of normal mature CFTR protein and chloride transport activity compared to the wild-type allele (Van Goor F, J. Cyst. Fibros. 2014; 13(1):29-36). Based on the supporting evidence, p.I336K is interpreted as a disease-causing mutation.

Mayo Clinic Laboratories, Mayo Clinic
Classification: Pathogenic. Last evaluated: 2021-08-05. Review status: criteria provided, single submitter. Criteria: ACMG Guidelines, 2015. Collection method: clinical testing. Allele origin: germline. Not counted in ClinVar's aggregate classification.
Comment: PP3, PP5, PM2, PM3_very_strong, PS3

CeGaT Center for Human Genetics Tuebingen
Classification: Pathogenic. Last evaluated: 2021-07-01. Review status: criteria provided, single submitter. Criteria: CeGaT Center For Human Genetics Tuebingen Variant Classification Criteria Version 2. Collection method: clinical testing. Allele origin: germline. Affected: yes. Observed: 1 variant allele. Not counted in ClinVar's aggregate classification.

Mendelics
Classification: Pathogenic for Cystic fibrosis. Last evaluated: 2018-11-05. Review status: criteria provided, single submitter. Criteria: Mendelics Assertion Criteria 2017. Collection method: clinical testing. Allele origin: unknown. Affected: yes. Not counted in ClinVar's aggregate classification.

CFTR-France
Classification: Pathogenic for cystic fibrosis. Last evaluated: 2018-01-29. Review status: criteria provided, single submitter. Criteria: Claustres M et al. (Hum Mutat 2017). Collection method: curation. Allele origin: germline. Affected: yes. Not counted in ClinVar's aggregate classification.

Eurofins Ntd Llc (ga)
Classification: Pathogenic. Last evaluated: 2017-03-15. Review status: criteria provided, single submitter. Criteria: EGL Classification Definitions 2015. Collection method: clinical testing. Allele origin: germline. Observed: 1 variant allele, 1 heterozygote. Not counted in ClinVar's aggregate classification.

Baylor Genetics
Classification: Pathogenic for Congenital bilateral aplasia of vas deferens from CFTR mutation; Cystic fibrosis. Review status: criteria provided, single submitter. Criteria: ACMG Guidelines, 2015. Collection method: clinical testing. Allele origin: germline. Not counted in ClinVar's aggregate classification.

Counsyl
Classification: Pathogenic for Cystic fibrosis. Last evaluated: 2019-07-07. Review status: no assertion criteria provided. Collection method: clinical testing. Allele origin: unknown. Not counted in ClinVar's aggregate classification.

Literature cited by the submitters: PubMed 33431308 (cited by Natera, Inc.); PubMed 30888834 (cited by Natera, Inc.); PubMed 32084388 (cited by Natera, Inc.); PubMed 18227622 (cited by Natera, Inc.); PubMed 7508414 (cited by 4 submitters); PubMed 9272157 (cited by Labcorp Genetics (formerly Invitae), Labcorp and Quest Diagnostics Nichols Institute San Juan Capistrano); PubMed 19318346 (cited by Labcorp Genetics (formerly Invitae), Labcorp and Quest Diagnostics Nichols Institute San Juan Capistrano); PubMed 24586523 (cited by Labcorp Genetics (formerly Invitae), Labcorp and Quest Diagnostics Nichols Institute San Juan Capistrano); PubMed 23891399 (cited by 5 submitters); PubMed 29805046 (cited by 4 submitters); PubMed 30046002 (cited by Labcorp Genetics (formerly Invitae), Labcorp and Quest Diagnostics Nichols Institute San Juan Capistrano); PubMed 7505690 (cited by Quest Diagnostics Nichols Institute San Juan Capistrano); PubMed 10950058 (cited by 3 submitters); PubMed 23974870 (cited by 4 submitters); PubMed 18456578 (cited by Quest Diagnostics Nichols Institute San Juan Capistrano and Mayo Clinic Laboratories, Mayo Clinic); PubMed 11180668 (cited by Quest Diagnostics Nichols Institute San Juan Capistrano).

NM_000492.4(CFTR):c.1007T>A (p.Ile336Lys)

Gene: CFTR (CF transmembrane conductance regulator; plus strand). Cytogenetic location: 7q31.2.
Variant type: single nucleotide variant.
Coding change: c.1007T>A on transcript NM_000492.4 (MANE Select); coding-DNA position 1007, T replaced by A.
Protein change: p.Ile336Lys; replaces isoleucine 336 with lysine.
Molecular consequence: missense variant.
Genome position (GRCh38, 1-based): chr7:117,540,237, T>A. VCF-style: chr7-117540237-T-A. GRCh37 (hg19) VCF-style: chr7-117180291-T-A.
Other names: short protein forms I336K.
Identifiers: ClinVar variation 53162 (VCV000053162.67), dbSNP rs397508139, ClinGen allele CA345302.